The following is an entry in ClinVar:

ClinVar aggregate classification (germline): Uncertain significance (1 of 4 stars; one submission).

Conditions:
Intellectual developmental disorder, X-linked 1. Also called: MENTAL RETARDATION, X-LINKED 18; MENTAL RETARDATION, X-LINKED 78; Intellectual disability, X-linked 1; Atkin Flaitz Patil Smith syndrome. Identifiers: Orphanet 777, MedGen C2931498, MONDO:0010656, OMIM 309530.

Submission:

Labcorp Genetics (formerly Invitae), Labcorp
Classification: Uncertain significance for Intellectual developmental disorder, X-linked 1. Last evaluated: 2022-10-13. Review status: criteria provided, single submitter. Criteria: Invitae Variant Classification Sherloc (09022015). Collection method: clinical testing. Allele origin: germline.
Comment: In summary, the available evidence is currently insufficient to determine the role of this variant in disease. Therefore, it has been classified as a Variant of Uncertain Significance. Advanced modeling of protein sequence and biophysical properties (such as structural, functional, and spatial information, amino acid conservation, physicochemical variation, residue mobility, and thermodynamic stability) performed at Invitae indicates that this missense variant is expected to disrupt IQSEC2 protein function. This variant has not been reported in the literature in individuals affected with IQSEC2-related conditions. This variant is not present in population databases (gnomAD no frequency). This sequence change replaces glycine, which is neutral and non-polar, with arginine, which is basic and polar, at codon 808 of the IQSEC2 protein (p.Gly808Arg).

NM_001111125.3(IQSEC2):c.2422G>A (p.Gly808Arg)

Gene: IQSEC2 (IQ motif and Sec7 domain ArfGEF 2; minus strand). Cytogenetic location: Xp11.22.
Variant type: single nucleotide variant.
Coding change: c.2422G>A on transcript NM_001111125.3 (MANE Select); coding-DNA position 2422, G replaced by A.
Protein change: p.Gly808Arg; replaces glycine 808 with arginine.
Molecular consequence: missense variant.
Genome position (GRCh38, 1-based): chrX:53,248,758, C>T on the plus strand (G>A on the coding strand, the complement: IQSEC2 is on the minus strand). VCF-style: chrX-53248758-C-T. GRCh37 (hg19) VCF-style: chrX-53277940-C-T.
Other names: c.2422G>A, p.Gly808Arg (NM_001410736.1); c.1807G>A, p.Gly603Arg (NM_015075.2); short protein forms G603R, G808R.
Identifiers: ClinVar variation 1721433 (VCV001721433.6), dbSNP rs2519786466, ClinGen allele CA413157926.
Genomic context (GRCh38, chrX:53,248,758, plus strand): 5'-CTGCCCCATCCTGGGGTCCTCACTCCAACACGTCTCTGTTGAACTGCTTCTGCCGGTTCC[C>T]TAGGAATTCCCCTATCATCTGCCGGCTGAGGCCTTTCCGCTCCAGGATGAAGTGAGCCAC-3'
Protein context (NP_001104595.1, residues 798-818): LSRQMIGEFL[Gly808Arg]NRQKQFNRDV